The following is an entry in ClinVar:

ClinVar aggregate classification (germline): Uncertain significance (1 of 4 stars; one submission).

Allele frequency attached by ClinVar (database versions not stated): gnomAD exomes below 0.00001; TOPMed below 0.00001.

Submission:

Labcorp Genetics (formerly Invitae), Labcorp
Classification: Uncertain significance. Last evaluated: 2022-10-05. Review status: criteria provided, single submitter. Criteria: Invitae Variant Classification Sherloc (09022015). Collection method: clinical testing. Allele origin: germline.
Comment: ClinVar contains an entry for this variant (Variation ID: 1429850). Advanced modeling of protein sequence and biophysical properties (such as structural, functional, and spatial information, amino acid conservation, physicochemical variation, residue mobility, and thermodynamic stability) performed at Invitae indicates that this missense variant is not expected to disrupt SEMA4A protein function. This variant has not been reported in the literature in individuals affected with SEMA4A-related conditions. In summary, the available evidence is currently insufficient to determine the role of this variant in disease. Therefore, it has been classified as a Variant of Uncertain Significance. This variant is present in population databases (no rsID available, gnomAD no frequency). This sequence change replaces threonine, which is neutral and polar, with isoleucine, which is neutral and non-polar, at codon 416 of the SEMA4A protein (p.Thr416Ile).

NM_022367.4(SEMA4A):c.1247C>T (p.Thr416Ile)

Gene: SEMA4A (semaphorin 4A; plus strand). Cytogenetic location: 1q22.
Variant type: single nucleotide variant.
Coding change: c.1247C>T on transcript NM_022367.4 (MANE Select); coding-DNA position 1247, C replaced by T.
Protein change: p.Thr416Ile; replaces threonine 416 with isoleucine.
Molecular consequence: missense variant.
Genome position (GRCh38, 1-based): chr1:156,172,938, C>T. VCF-style: chr1-156172938-C-T. GRCh37 (hg19) VCF-style: chr1-156142729-C-T.
Other names: c.1247C>T, p.Thr416Ile (NM_001193300.2, NM_001193301.2, NM_001370567.1); c.851C>T, p.Thr284Ile (NM_001193302.2); c.950C>T, p.Thr317Ile (NM_001370568.1); c.740C>T, p.Thr247Ile (NM_001370569.1, NM_001370571.1); short protein forms T247I, T317I, T416I, T284I.
Identifiers: ClinVar variation 1429850 (VCV001429850.6), dbSNP rs1437130195, ClinGen allele CA342807355.